The following is an entry in ClinVar:

NM_005908.4(MANBA):c.1018del (p.Ser340fs)

Gene: MANBA (mannosidase beta; minus strand). Cytogenetic location: 4q24.
Variant type: Deletion.
Coding change: c.1018del on transcript NM_005908.4 (MANE Select); coding-DNA position 1018, one base deleted (A; older notation c.1018delA).
Protein change: p.Ser340fs; shifts the reading frame from serine 340.
Molecular consequence: frameshift variant.
Genome position (GRCh38, 1-based): chr4:102,674,013, T deleted on the plus strand (A on the coding strand, the reverse complement: MANBA is on the minus strand). VCF-style (leftmost placement, unchanged base first): chr4-102674012-CT-C. GRCh37 (hg19) VCF-style: chr4-103595169-CT-C.
Other names: short protein forms S340fs.
Identifiers: ClinVar variation 3667074 (VCV003667074.2).

ClinVar aggregate classification (germline): Pathogenic (1 of 4 stars; one submission).

Conditions:
Beta-D-mannosidosis (MANSB). Also called: Beta-Mannosidosis; MANNOSIDOSIS, BETA A, LYSOSOMAL; BETA-MANNOSIDASE DEFICIENCY; LYSOSOMAL BETA-MANNOSIDASE DEFICIENCY. Identifiers: Orphanet 118, MedGen C4048196, MONDO:0009562, OMIM 248510.

Submission:

Labcorp Genetics (formerly Invitae), Labcorp
Classification: Pathogenic for Beta-D-mannosidosis. Last evaluated: 2024-02-18. Review status: criteria provided, single submitter. Criteria: Invitae Variant Classification Sherloc (09022015). Collection method: clinical testing. Allele origin: germline.
Comment: This sequence change creates a premature translational stop signal (p.Ser340Valfs*13) in the MANBA gene. It is expected to result in an absent or disrupted protein product. Loss-of-function variants in MANBA are known to be pathogenic (PMID: 9384606, 12468273). This variant is not present in population databases (gnomAD no frequency). This variant has not been reported in the literature in individuals affected with MANBA-related conditions. For these reasons, this variant has been classified as Pathogenic.

Literature cited by the submitters: PubMed 9384606; PubMed 12468273.